The following is an entry in ClinVar:

ClinVar aggregate classification (germline): Uncertain significance (1 of 4 stars; one submission).

Conditions:
Capillary malformation-arteriovenous malformation 2 (CMAVM2). Identifiers: Orphanet 693912, MedGen C4748670, MONDO:0020785, OMIM 618196.

Allele frequency attached by ClinVar (database versions not stated): gnomAD exomes below 0.00001 and 0.00001.
gnomAD v4.1: 12 of 1,614,190 alleles (0.00074%); highest among the groups gnomAD compares: South Asian, 0.0011%; no homozygotes.

Submission:

SIB Swiss Institute of Bioinformatics
Classification: Uncertain significance for Capillary malformation-arteriovenous malformation 2. Last evaluated: 2019-03-29. Review status: criteria provided, single submitter. Criteria: ACMG Guidelines, 2015. Collection method: curation. Allele origin: unknown.
Comment: This variant is interpreted as Uncertain significance for Capillary malformation-arteriovenous malformation 2. The following ACMG Tag(s) were applied: PP3: Multiple lines of computational evidence support a deleterious effect on the gene or gene product. PM2 downgraded to supporting: Absent from controls (or at extremely low frequency if recessive) in Exome Sequencing Project, 1000 Genomes Project, or Exome Aggregation Consortium. PM1: Located in a mutational hot spot and/or critical and well-established functional domain (e.g.,active site of an enzyme) without benign variation.

Literature cited by the submitters: PubMed 28687708.

NM_004444.5(EPHB4):c.1966C>T (p.Arg656Trp)

Gene: EPHB4 (EPH receptor B4; minus strand). Cytogenetic location: 7q22.1.
Variant type: single nucleotide variant.
Coding change: c.1966C>T on transcript NM_004444.5 (MANE Select); coding-DNA position 1966, C replaced by T.
Protein change: p.Arg656Trp; replaces arginine 656 with tryptophan.
Molecular consequence: missense variant.
Genome position (GRCh38, 1-based): chr7:100,812,899, G>A on the plus strand (C>T on the coding strand, the complement: EPHB4 is on the minus strand). VCF-style: chr7-100812899-G-A. GRCh37 (hg19) VCF-style: chr7-100410521-G-A.
Other names: short protein forms R656W.
Identifiers: ClinVar variation 691549 (VCV000691549.1), dbSNP rs745584371, ClinGen allele CA163279667.